The following is an entry in ClinVar:

ClinVar aggregate classification (germline): Benign. Review status: criteria provided, multiple submitters, no conflicts (2 of 4 stars). 2 submissions from 2 submitters: Benign (2). Last evaluated 2018-06-14.

Allele frequency attached by ClinVar (database versions not stated): 1000 Genomes Project 30x 0.66958; 1000 Genomes Project 0.67192; gnomAD 0.70064 and 0.70308; TOPMed 0.70626.
gnomAD v4.1: 106,604 of 152,058 alleles (70%); highest among the groups gnomAD compares: Admixed American, 78%; 37,687 homozygotes.

Submissions (2):

GeneDx
Classification: Benign. Last evaluated: 2018-06-14. Review status: criteria provided, single submitter. Criteria: GeneDx Variant Classification (06012015). Collection method: clinical testing. Allele origin: germline. Affected: yes.
Comment: This variant is considered likely benign or benign based on one or more of the following criteria: it is a conservative change, it occurs at a poorly conserved position in the protein, it is predicted to be benign by multiple in silico algorithms, and/or has population frequency not consistent with disease.

Breakthrough Genomics
Classification: Benign. Review status: criteria provided, single submitter. Criteria: ACMG Guidelines, 2015. Collection method: not provided. Allele origin: germline. Inheritance: Autosomal recessive inheritance. Affected: yes.

NM_001849.4(COL6A2):c.802-250T>G

Gene: COL6A2 (collagen type VI alpha 2 chain; plus strand). Cytogenetic location: 21q22.3.
Variant type: single nucleotide variant.
Coding change: c.802-250T>G on transcript NM_001849.4 (MANE Select); 250 bases into the intron before coding-DNA position 802, T replaced by G.
Molecular consequence: intron variant.
Genome position (GRCh38, 1-based): chr21:46,115,622, T>G. VCF-style: chr21-46115622-T-G. GRCh37 (hg19) VCF-style: chr21-47535536-T-G.
Other names: c.802-250T>G (NM_058175.3, NM_058174.3).
Identifiers: ClinVar variation 679207 (VCV000679207.2), dbSNP rs8133910, ClinGen allele CA14865398.